The following is an entry in ClinVar:

NM_004006.3(DMD):c.2057C>T (p.Thr686Ile)

Gene: DMD (dystrophin; minus strand). Cytogenetic location: Xp21.1.
Variant type: single nucleotide variant.
Coding change: c.2057C>T on transcript NM_004006.3 (MANE Select); coding-DNA position 2057, C replaced by T.
Protein change: p.Thr686Ile; replaces threonine 686 with isoleucine.
Molecular consequence: missense variant.
Genome position (GRCh38, 1-based): chrX:32,545,270, G>A on the plus strand (C>T on the coding strand, the complement: DMD is on the minus strand). VCF-style: chrX-32545270-G-A. GRCh37 (hg19) VCF-style: chrX-32563387-G-A.
Other names: c.2033C>T, p.Thr678Ile (NM_000109.4); c.2045C>T, p.Thr682Ile (NM_004009.3); c.1688C>T, p.Thr563Ile (NM_004010.3); short protein forms T682I, T563I, T678I, T686I.
Identifiers: ClinVar variation 1484245 (VCV001484245.10), dbSNP rs2148959991, ClinGen allele CA412668413.

ClinVar aggregate classification (germline): Uncertain significance. Review status: criteria provided, multiple submitters, no conflicts (2 of 4 stars). 2 submissions from 2 submitters: Uncertain significance (2). Last evaluated 2026-03-01.

Conditions:
Duchenne muscular dystrophy (DMD). Also called: Duchenne Muscular Dystrophy (DMD); MUSCULAR DYSTROPHY, PSEUDOHYPERTROPHIC PROGRESSIVE, DUCHENNE TYPE. Identifiers: Orphanet 98896, MedGen C0013264, MONDO:0010679, OMIM 310200.

gnomAD v4.1: 2 of 1,210,724 alleles (0.00017%); highest among the groups gnomAD compares: Admixed American, 0.0022%; no homozygotes.

Submissions (2):

CeGaT Center for Human Genetics Tuebingen
Classification: Uncertain significance. Last evaluated: 2026-03-01. Review status: criteria provided, single submitter. Criteria: CeGaT Center For Human Genetics Tuebingen Variant Classification Criteria Version 2. Collection method: clinical testing. Allele origin: germline. Affected: yes. Observed: 1 variant allele.
Comment: DMD: PM2, PP3

Labcorp Genetics (formerly Invitae), Labcorp
Classification: Uncertain significance for Duchenne muscular dystrophy. Last evaluated: 2021-08-28. Review status: criteria provided, single submitter. Criteria: Invitae Variant Classification Sherloc (09022015). Collection method: clinical testing. Allele origin: germline.
Comment: This sequence change replaces threonine with isoleucine at codon 686 of the DMD protein (p.Thr686Ile). The threonine residue is highly conserved and there is a moderate physicochemical difference between threonine and isoleucine. In summary, the available evidence is currently insufficient to determine the role of this variant in disease. Therefore, it has been classified as a Variant of Uncertain Significance. Algorithms developed to predict the effect of missense changes on protein structure and function are either unavailable or do not agree on the potential impact of this missense change (SIFT: "Tolerated"; PolyPhen-2: "Probably Damaging"; Align-GVGD: "Class C15"). This variant has not been reported in the literature in individuals affected with DMD-related conditions. This variant is not present in population databases (ExAC no frequency).